The following is an entry in ClinVar:

ClinVar aggregate classification (germline): Uncertain significance (1 of 4 stars; one submission).

Conditions:
EAST syndrome (SESAMES). Also called: SEIZURES, SENSORINEURAL DEAFNESS, ATAXIA, IMPAIRED INTELLECTUAL DEVELOPMENT, AND ELECTROLYTE IMBALANCE. Identifiers: Orphanet 199343, MedGen C2748572, MONDO:0013005, OMIM 612780.

Submission:

Labcorp Genetics (formerly Invitae), Labcorp
Classification: Uncertain significance for EAST syndrome. Last evaluated: 2021-12-03. Review status: criteria provided, single submitter. Criteria: Invitae Variant Classification Sherloc (09022015). Collection method: clinical testing. Allele origin: germline.
Comment: This variant is not present in population databases (gnomAD no frequency). This sequence change replaces asparagine, which is neutral and polar, with tyrosine, which is neutral and polar, at codon 378 of the KCNJ10 protein (p.Asn378Tyr). This variant has not been reported in the literature in individuals affected with KCNJ10-related conditions. Algorithms developed to predict the effect of missense changes on protein structure and function are either unavailable or do not agree on the potential impact of this missense change (SIFT: "Deleterious"; PolyPhen-2: "Probably Damaging"; Align-GVGD: "Class C0"). In summary, the available evidence is currently insufficient to determine the role of this variant in disease. Therefore, it has been classified as a Variant of Uncertain Significance.

NM_002241.5(KCNJ10):c.1132A>T (p.Asn378Tyr)

Gene: KCNJ10 (potassium inwardly rectifying channel subfamily J member 10; minus strand). Cytogenetic location: 1q23.2.
Variant type: single nucleotide variant.
Coding change: c.1132A>T on transcript NM_002241.5 (MANE Select); coding-DNA position 1132, A replaced by T.
Protein change: p.Asn378Tyr; replaces asparagine 378 with tyrosine.
Molecular consequence: missense variant.
Genome position (GRCh38, 1-based): chr1:160,041,401, T>A on the plus strand (A>T on the coding strand, the complement: KCNJ10 is on the minus strand). VCF-style: chr1-160041401-T-A. GRCh37 (hg19) VCF-style: chr1-160011191-T-A.
Other names: short protein forms N378Y.
Identifiers: ClinVar variation 1439516 (VCV001439516.6), dbSNP rs2101924520, ClinGen allele CA343221693.
Genomic context (GRCh38, chr1:160,041,401, plus strand): 5'-CATTGGAAGAGAGGAAAAGAGACCAGAGGAATGGGGGAGTGGGAACAGGTCATCAGACAT[T>A]GCTGATGCGCACACTAAGGGCACTGCCCTCCTTCTCAGCTTGCTCCCTTAATGACTCCTC-3'
Protein context (NP_002232.2, residues 368-379): EGSALSVRIS[Asn378Tyr]V